The following is an entry in ClinVar:

NM_177438.3(DICER1):c.2436+5G>C

Gene: DICER1 (dicer 1, ribonuclease III; minus strand). Cytogenetic location: 14q32.13.
Variant type: single nucleotide variant.
Coding change: c.2436+5G>C on transcript NM_177438.3 (MANE Select); 5 bases into the intron after coding-DNA position 2436, G replaced by C.
Molecular consequence: intron variant.
Genome position (GRCh38, 1-based): chr14:95,108,319, C>G on the plus strand (G>C on the coding strand, the complement: DICER1 is on the minus strand). VCF-style: chr14-95108319-C-G. GRCh37 (hg19) VCF-style: chr14-95574656-C-G.
Other names: c.2436+5G>C (NM_001291628.2, NM_030621.4, NM_001395677.1 and 12 more transcripts); c.2031+5G>C (NM_001395690.1, NM_001395687.1, NM_001395689.1 and 2 more transcripts); c.2154+5G>C (NM_001395686.1); c.1869+5G>C (NM_001395691.1); c.753+5G>C (NM_001395697.1).
Identifiers: ClinVar variation 2566156 (VCV002566156.2), dbSNP rs2140030983, ClinGen allele CA2580613757.
Genomic context (GRCh38, chr14:95,108,319, plus strand): 5'-TTTTTTTTTTTTCCTTTTCCTAAGCAAGACGTTTTTGACATAAGTACTCATTATGAAATA[C>G]CTACCTGAGGTATGGGTTTGGCCGTCAGTATTCCAAAGCATCTTGTGGTATCTTCAGGAG-3'

ClinVar aggregate classification (germline): Uncertain significance (1 of 4 stars; one submission).

Conditions:
Hereditary cancer-predisposing syndrome. Also called: Neoplastic Syndromes, Hereditary; Hereditary Cancer Syndrome; Hereditary neoplastic syndrome; Tumor predisposition. Identifiers: Orphanet 140162, MedGen C0027672, MeSH D009386, MONDO:0015356.

Submission:

Ambry Genetics
Classification: Uncertain significance for Hereditary cancer-predisposing syndrome. Last evaluated: 2023-04-13. Review status: criteria provided, single submitter. Criteria: Ambry Variant Classification Scheme 2023. Collection method: clinical testing. Allele origin: germline.
Comment: The c.2436+5G>C intronic variant results from a G to C substitution 5 nucleotides after coding exon 14 in the DICER1 gene. This nucleotide position is poorly conserved in available vertebrate species. In silico splice site analysis predicts that this alteration will not have any significant effect on splicing. Since supporting evidence is limited at this time, the clinical significance of this alteration remains unclear.